The following is an entry in ClinVar:

ClinVar aggregate classification (germline): Uncertain significance. Review status: criteria provided, multiple submitters, no conflicts (2 of 4 stars). 3 submissions from 3 submitters: Uncertain significance (3). Last evaluated 2022-03-15.

Conditions:
Hereditary cancer-predisposing syndrome. Also called: Hereditary Cancer Syndrome; Neoplastic Syndromes, Hereditary; Tumor predisposition; Hereditary neoplastic syndrome. Identifiers: Orphanet 140162, MedGen C0027672, MeSH D009386, MONDO:0015356.
Neurofibromatosis, type 1 (NF1). Also called: Neurofibromatosis, type I; VON RECKLINGHAUSEN DISEASE; NEUROFIBROMATOSIS, TYPE I, SOMATIC; Peripheral type neurofibromatosis. Identifiers: Orphanet 636, MedGen C0027831, MONDO:0018975, OMIM 162200. Disease mechanism: loss of function.

Submissions (3):

Genome-Nilou Lab
Classification: Uncertain significance for Neurofibromatosis, type 1. Last evaluated: 2022-03-15. Review status: criteria provided, single submitter. Criteria: ACMG Guidelines, 2015. Collection method: clinical testing. Allele origin: germline. Affected: no.

Labcorp Genetics (formerly Invitae), Labcorp
Classification: Uncertain significance for Neurofibromatosis, type 1. Last evaluated: 2018-10-19. Review status: criteria provided, single submitter. Criteria: Invitae Variant Classification Sherloc (09022015). Collection method: clinical testing. Allele origin: germline.
Comment: Algorithms developed to predict the effect of missense changes on protein structure and function (SIFT, PolyPhen-2, Align-GVGD) all suggest that this variant is likely to be tolerated, but these predictions have not been confirmed by published functional studies and their clinical significance is uncertain. In summary, the available evidence is currently insufficient to determine the role of this variant in disease. Therefore, it has been classified as a Variant of Uncertain Significance. This variant has not been reported in the literature in individuals with NF1-related disease. ClinVar contains an entry for this variant (Variation ID: 230609). This variant is not present in population databases (ExAC no frequency). This sequence change replaces aspartic acid with asparagine at codon 374 of the NF1 protein (p.Asp374Asn). The aspartic acid residue is moderately conserved and there is a small physicochemical difference between aspartic acid and asparagine.

Ambry Genetics
Classification: Uncertain significance for Hereditary cancer-predisposing syndrome. Last evaluated: 2015-03-05. Review status: criteria provided, single submitter. Criteria: Ambry Autosomal Dominant and X-Linked criteria (10/2015). Collection method: clinical testing. Allele origin: germline. Observed: 1 variant allele.
Comment: The p.D374N variant (also known as c.1120G>A), located in coding exon 10 of the NF1 gene, results from a G to A substitution at nucleotide position 1120. The aspartic acid at codon 374 is replaced by asparagine, an amino acid with highly similar properties. This variant was not reported in population based cohorts in the following databases: Database of Single Nucleotide Polymorphisms (dbSNP), NHLBI Exome Sequencing Project (ESP), and 1000 Genomes Project. In the ESP, this variant was not observed in 6503 samples (13006 alleles) with coverage at this position. To date, this alteration has been detected with an allele frequency of approximately 0.003% (greater than 30000alleles tested) in our clinical cohort.This amino acid position is highly conserved in available vertebrate species. In addition, this alteration is predicted to be tolerated by in silico analysis.Since supporting evidence is limited at this time, the clinical significance of p.D374Nremains unclear.

NM_001042492.3(NF1):c.1120G>A (p.Asp374Asn)

Gene: NF1 (neurofibromin 1; plus strand). Cytogenetic location: 17q11.2.
Variant type: single nucleotide variant.
Coding change: c.1120G>A on transcript NM_001042492.3 (MANE Select); coding-DNA position 1120, G replaced by A.
Protein change: p.Asp374Asn; replaces aspartic acid 374 with asparagine.
Molecular consequence: missense variant.
Genome position (GRCh38, 1-based): chr17:31,201,094, G>A. VCF-style: chr17-31201094-G-A. GRCh37 (hg19) VCF-style: chr17-29528112-G-A.
Other names: c.1120G>A, p.Asp374Asn (NM_000267.4, NM_001128147.3); short protein forms D374N.
Identifiers: ClinVar variation 230609 (VCV000230609.10), dbSNP rs876658666, ClinGen allele CA10580212.